The following is an entry in ClinVar:

ClinVar aggregate classification (germline): Pathogenic (1 of 4 stars; one submission).

Conditions:
BAP1-related tumor predisposition syndrome (TPDS1). Also called: BAP1 tumor predisposition syndrome; Tumor susceptibility linked to germline BAP1 mutations; COMMON Syndrome; TUMOR PREDISPOSITION SYNDROME 1. Identifiers: Orphanet 289539, MedGen C3280492, MONDO:0013692, OMIM 614327.

Submission:

Myriad Genetics, Inc.
Classification: Pathogenic for BAP1-related tumor predisposition syndrome. Last evaluated: 2023-06-09. Review status: criteria provided, single submitter. Criteria: Myriad Autosomal Dominant, Autosomal Recessive and X-Linked Classification Criteria (2023). Collection method: clinical testing. Allele origin: unknown.
Comment: This variant is considered pathogenic. This variant creates a frameshift predicted to result in premature protein truncation.

NM_004656.4(BAP1):c.1439del (p.Thr480fs)

Gene: BAP1 (BRCA1 associated deubiquitinase 1; minus strand). Cytogenetic location: 3p21.1.
Variant type: Deletion.
Coding change: c.1439del on transcript NM_004656.4 (MANE Select); coding-DNA position 1439, one base deleted (C; older notation c.1439delC).
Protein change: p.Thr480fs; shifts the reading frame from threonine 480.
Molecular consequence: frameshift variant.
Genome position (GRCh38, 1-based): chr3:52,403,706, G deleted on the plus strand (C on the coding strand, the reverse complement: BAP1 is on the minus strand). VCF-style (leftmost placement, unchanged base first): chr3-52403705-TG-T. GRCh37 (hg19) VCF-style: chr3-52437721-TG-T.
Other names: c.1385del, p.Thr462fs (NM_001410772.1); short protein forms T462fs, T480fs.
Identifiers: ClinVar variation 2583842 (VCV002583842.2), dbSNP rs2471329072, ClinGen allele CA2582342860.